The following is an entry in ClinVar:

NM_002485.5(NBN):c.1594G>T (p.Val532Leu)

Gene: NBN (nibrin; minus strand). Cytogenetic location: 8q21.3.
Variant type: single nucleotide variant.
Coding change: c.1594G>T on transcript NM_002485.5 (MANE Select); coding-DNA position 1594, G replaced by T.
Protein change: p.Val532Leu; replaces valine 532 with leucine.
Molecular consequence: missense variant.
Genome position (GRCh38, 1-based): chr8:89,953,495, C>A on the plus strand (G>T on the coding strand, the complement: NBN is on the minus strand). VCF-style: chr8-89953495-C-A. GRCh37 (hg19) VCF-style: chr8-90965723-C-A.
Other names: c.1348G>T, p.Val450Leu (NM_001024688.3); short protein forms V532L, V450L.
Identifiers: ClinVar variation 461516 (VCV000461516.24), dbSNP rs545435120, ClinGen allele CA181257898.

ClinVar aggregate classification (germline): Uncertain significance. Review status: criteria provided, multiple submitters, no conflicts (2 of 4 stars). 7 submissions from 7 submitters: Uncertain significance (6). 1 of the submissions does not count toward it. Last evaluated 2025-10-01.

Conditions:
Microcephaly, normal intelligence and immunodeficiency (NBS). Also called: IMMUNODEFICIENCY, MICROCEPHALY, AND CHROMOSOMAL INSTABILITY; SEEMANOVA SYNDROME II; Nijmegen breakage syndrome; Microcephaly with normal intelligence immunodeficiency and lymphoreticular malignancies; Nonsyndromal microcephaly autosomal recessive with normal intelligence; Seemanova syndrome 2. Identifiers: Orphanet 647, MedGen C0398791, MONDO:0009623, OMIM 251260.
Aplastic anemia. Identifiers: Orphanet 182040, Orphanet 88, MedGen C0002874, MONDO:0015909, OMIM 609135, HP:0001915.
Acute lymphoid leukemia (ALL). Also called: Acute lymphoblastic leukemia; Acute lymphocytic leukemia; Leukemia, acute lymphoblastic, somatic; Lymphoblastic leukemia. Identifiers: Orphanet 513, MedGen C0023449, MONDO:0004967, OMIM 613065, HP:0006721.
Hereditary cancer-predisposing syndrome. Also called: Hereditary neoplastic syndrome; Neoplastic Syndromes, Hereditary; Tumor predisposition; Hereditary Cancer Syndrome. Identifiers: Orphanet 140162, MedGen C0027672, MeSH D009386, MONDO:0015356.

Allele frequency attached by ClinVar (database versions not stated): 1000 Genomes Project 30x 0.00016; 1000 Genomes Project 0.00020.
gnomAD v4.1: 2 of 1,613,578 alleles (0.00012%); highest among the groups gnomAD compares: East Asian, 0.0022%; no homozygotes.

Submissions (7):

Labcorp Genetics (formerly Invitae), Labcorp
Classification: Uncertain significance for Microcephaly, normal intelligence and immunodeficiency. Last evaluated: 2025-10-01. Review status: criteria provided, single submitter. Criteria: Invitae Variant Classification Sherloc (09022015). Collection method: clinical testing. Allele origin: germline.
Comment: This sequence change replaces valine, which is neutral and non-polar, with leucine, which is neutral and non-polar, at codon 532 of the NBN protein (p.Val532Leu). This variant is not present in population databases (gnomAD no frequency). This variant has not been reported in the literature in individuals affected with NBN-related conditions. ClinVar contains an entry for this variant (Variation ID: 461516). An algorithm developed to predict the effect of missense changes on protein structure and function (PolyPhen-2) suggests that this variant is likely to be tolerated. In summary, the available evidence is currently insufficient to determine the role of this variant in disease. Therefore, it has been classified as a Variant of Uncertain Significance.

GeneDx
Classification: Uncertain significance. Last evaluated: 2024-08-07. Review status: criteria provided, single submitter. Criteria: GeneDx Variant Classification Process June 2021. Collection method: clinical testing. Allele origin: germline. Affected: yes.
Comment: Not observed at significant frequency in large population cohorts (gnomAD); In silico analysis indicates that this missense variant does not alter protein structure/function; Has not been previously published as pathogenic or benign to our knowledge

Fulgent Genetics
Classification: Uncertain significance for Microcephaly, normal intelligence and immunodeficiency; Aplastic anemia; Acute lymphoid leukemia. Last evaluated: 2024-03-07. Review status: criteria provided, single submitter. Criteria: ACMG Guidelines, 2015. Collection method: clinical testing. Allele origin: germline.

Ambry Genetics
Classification: Uncertain significance for Hereditary cancer-predisposing syndrome. Last evaluated: 2024-02-01. Review status: criteria provided, single submitter. Criteria: Ambry Variant Classification Scheme 2023. Collection method: clinical testing. Allele origin: germline.
Comment: The p.V532L variant (also known as c.1594G>T), located in coding exon 11 of the NBN gene, results from a G to T substitution at nucleotide position 1594. The valine at codon 532 is replaced by leucine, an amino acid with highly similar properties. This amino acid position is poorly conserved in available vertebrate species. In addition, this alteration is predicted to be tolerated by in silico analysis. Since supporting evidence is limited at this time, the clinical significance of this alteration remains unclear.

Genome-Nilou Lab
Classification: Uncertain significance for Microcephaly, normal intelligence and immunodeficiency. Last evaluated: 2021-11-07. Review status: criteria provided, single submitter. Criteria: ACMG Guidelines, 2015. Collection method: clinical testing. Allele origin: germline. Affected: no.

Baylor Genetics
Classification: Uncertain significance for Aplastic anemia. Last evaluated: 2020-01-07. Review status: criteria provided, single submitter. Criteria: ACMG Guidelines, 2015. Collection method: clinical testing. Allele origin: unknown. Affected: yes. Study: CSER-TexasKidsCanSeq.
Comment: This variant was determined to be of uncertain significance according to ACMG Guidelines, 2015 [PMID:25741868].

Natera, Inc.
Classification: Uncertain significance for Nijmegen breakage syndrome. Last evaluated: 2021-09-09. Review status: no assertion criteria provided. Collection method: clinical testing. Allele origin: germline. Not counted in ClinVar's aggregate classification.